The following is an entry in ClinVar:

NM_001376.5(DYNC1H1):c.12019A>C (p.Met4007Leu)

Gene: DYNC1H1 (dynein cytoplasmic 1 heavy chain 1; plus strand). Cytogenetic location: 14q32.31.
Variant type: single nucleotide variant.
Coding change: c.12019A>C on transcript NM_001376.5 (MANE Select); coding-DNA position 12019, A replaced by C.
Protein change: p.Met4007Leu; replaces methionine 4007 with leucine.
Molecular consequence: missense variant.
Genome position (GRCh38, 1-based): chr14:102,041,651, A>C. VCF-style: chr14-102041651-A-C. GRCh37 (hg19) VCF-style: chr14-102507988-A-C.
Other names: short protein forms M4007L.
Identifiers: ClinVar variation 2971463 (VCV002971463.3), dbSNP rs765542840, ClinGen allele CA391037782.

ClinVar aggregate classification (germline): Uncertain significance (1 of 4 stars; one submission).

Conditions:
Charcot-Marie-Tooth disease axonal type 2O. Also called: CHARCOT-MARIE-TOOTH NEUROPATHY, AXONAL, TYPE 2O; CHARCOT-MARIE-TOOTH DISEASE, AXONAL, AUTOSOMAL DOMINANT, TYPE 2O; Charcot-Marie-Tooth Neuropathy Type 2O; Charcot-Marie-Tooth disease, axonal, type 20. Identifiers: Orphanet 284232, MedGen C3280220, MONDO:0013644, OMIM 614228.

gnomAD v4.1: 1 of 1,614,148 alleles (0.000062%); highest among the groups gnomAD compares: Non-Finnish European, 0.000085%; no homozygotes.

Submission:

Labcorp Genetics (formerly Invitae), Labcorp
Classification: Uncertain significance for Charcot-Marie-Tooth disease axonal type 2O. Last evaluated: 2023-08-23. Review status: criteria provided, single submitter. Criteria: Invitae Variant Classification Sherloc (09022015). Collection method: clinical testing. Allele origin: germline.
Comment: In summary, the available evidence is currently insufficient to determine the role of this variant in disease. Therefore, it has been classified as a Variant of Uncertain Significance. Advanced modeling of protein sequence and biophysical properties (such as structural, functional, and spatial information, amino acid conservation, physicochemical variation, residue mobility, and thermodynamic stability) performed at Invitae indicates that this missense variant is not expected to disrupt DYNC1H1 protein function. This variant has not been reported in the literature in individuals affected with DYNC1H1-related conditions. This variant is not present in population databases (gnomAD no frequency). This sequence change replaces methionine, which is neutral and non-polar, with leucine, which is neutral and non-polar, at codon 4007 of the DYNC1H1 protein (p.Met4007Leu).